The following is an entry in ClinVar:

NM_000282.4(PCCA):c.425G>A (p.Gly142Asp)

Gene: PCCA (propionyl-CoA carboxylase subunit alpha; plus strand). Cytogenetic location: 13q32.3.
Variant type: single nucleotide variant.
Coding change: c.425G>A on transcript NM_000282.4 (MANE Select); coding-DNA position 425, G replaced by A.
Protein change: p.Gly142Asp; replaces glycine 142 with aspartic acid.
Molecular consequence: missense variant. On other transcripts: 5 prime UTR variant (3), non-coding transcript variant (5).
Genome position (GRCh38, 1-based): chr13:100,157,297, G>A. VCF-style: chr13-100157297-G-A. GRCh37 (hg19) VCF-style: chr13-100809551-G-A.
Other names: p.G142D:GGT>GAT; c.347G>A, p.Gly116Asp (NM_001127692.3, NM_001352607.2, NM_001352608.2); c.425G>A, p.Gly142Asp (NM_001178004.2, NM_001352605.2, NM_001352606.2 and 1 more transcripts); c.-442G>A (NM_001352610.2, NM_001352611.2, NM_001352612.2); short protein forms G142D, G116D.
Identifiers: ClinVar variation 203880 (VCV000203880.36), dbSNP rs796052019, ClinGen allele CA312819.

ClinVar aggregate classification (germline): Pathogenic/Likely pathogenic. Review status: criteria provided, multiple submitters, no conflicts (2 of 4 stars). 8 submissions from 8 submitters: Pathogenic (5); Likely pathogenic (1). 2 of the submissions do not count toward it. Last evaluated 2025-10-28.

Conditions:
PCCA-related disorder. Also called: PCCA-related condition.
Pontocerebellar hypoplasia type 2D (PCH2D). Also called: Progressive cerebello-cerebral atrophy. Identifiers: Orphanet 247198, Orphanet 2524, MedGen C3151140, MONDO:0013438, OMIM 613811.
Propionic acidemia (PROP). Also called: GLYCINEMIA, KETOTIC; HYPERGLYCINEMIA WITH KETOACIDOSIS AND LEUKOPENIA; KETOTIC HYPERGLYCINEMIA. Identifiers: Orphanet 35, MedGen C0268579, MONDO:0011628, OMIM 606054, HP:0003571.

gnomAD v4.1: 1 of 1,610,564 alleles (0.000062%); highest among the groups gnomAD compares: Non-Finnish European, 0.000085%; no homozygotes.

Submissions (8):

Labcorp Genetics (formerly Invitae), Labcorp
Classification: Pathogenic for Propionic acidemia. Last evaluated: 2025-10-28. Review status: criteria provided, single submitter. Criteria: Invitae Variant Classification Sherloc (09022015). Collection method: clinical testing. Allele origin: germline.
Comment: This sequence change replaces glycine, which is neutral and non-polar, with aspartic acid, which is acidic and polar, at codon 142 of the PCCA protein (p.Gly142Asp). This variant is not present in population databases (gnomAD no frequency). This missense change has been observed in individuals with propionic acidemia (PMID: 22156789, 30705822). ClinVar contains an entry for this variant (Variation ID: 203880). Invitae Evidence Modeling of protein sequence and biophysical properties (such as structural, functional, and spatial information, amino acid conservation, physicochemical variation, residue mobility, and thermodynamic stability) indicates that this missense variant is expected to disrupt PCCA protein function with a positive predictive value of 95%. This variant disrupts the p.Gly142 amino acid residue in PCCA. Other variant(s) that disrupt this residue have been observed in individuals with PCCA-related conditions (PMID: 30274917), which suggests that this may be a clinically significant amino acid residue. For these reasons, this variant has been classified as Pathogenic.

Natera, Inc.
Classification: Likely pathogenic for Propionic acidemia. Last evaluated: 2024-10-29. Review status: criteria provided, single submitter. Criteria: Natera Variant Classification Schema (03/2026). Collection method: clinical testing. Allele origin: germline.
Comment: The c.425G>A variant in PCCA is a missense variant predicted to cause substitution of glycine to aspartic acid at amino acid 142. This variant is rare in the general population with a frequency below the threshold expected for the associated phenotype(s). This variant has been observed in one or more individuals affected with the associated recessive disease, as either homozygous or compound heterozygous with a second variant (PMID: 27959697, 22156789, 31392117). This variant has been identified in one or more affected individual with a phenotype highly consistent with the associated gene (PMID: 27959697, 22156789, 31392117). Functional studies show that this variant may disrupt protein function (PMID: 36211601). Computational prediction algorithms indicate this variant is likely to affect gene or protein function. Given the available evidence, this variant is classified as Likely Pathogenic.

Genomic Medicine Center of Excellence, King Faisal Specialist Hospital and Research Centre
Classification: Pathogenic for Pontocerebellar hypoplasia type 2D. Last evaluated: 2024-03-14. Review status: criteria provided, single submitter. Criteria: ACMG Guidelines, 2015. Collection method: research. Allele origin: germline.

Blueprint Genetics
Classification: Pathogenic for PCCA-related disorders. Last evaluated: 2020-07-07. Review status: criteria provided, single submitter. Criteria: ACMG Guidelines, 2015. Collection method: clinical testing. Allele origin: germline. Affected: yes. Observed: 1 variant allele.

GeneDx
Classification: Pathogenic. Last evaluated: 2019-09-16. Review status: criteria provided, single submitter. Criteria: GeneDx Variant Classification Process June 2021. Collection method: clinical testing. Allele origin: germline. Affected: yes.
Comment: Not observed in large population cohorts (Lek et al., 2016); In silico analysis, which includes protein predictors and evolutionary conservation, supports a deleterious effect; The majority of missense variants in this gene are considered pathogenic (Stenson et al., 2014); This variant is associated with the following publications: (PMID: 30014764, 22156789, 27959697, 30274917, 27629047, 30705822, 33101984)

Pathology and Clinical Laboratory Medicine, King Fahad Medical City
Classification: Pathogenic for Propionic acidemia. Review status: criteria provided, single submitter. Criteria: ACMG Guidelines, 2015. Collection method: clinical testing. Allele origin: germline. Affected: yes. Observed: 13 variant alleles.
Comment: Compatible metabolite assay

Clinical Laboratory Sciences Program (CLSP), King Saud bin Abdulaziz University for Health Sciences (KSAU-HS)
Classification: Pathogenic for Propionic acidemia. Last evaluated: 2023-04-01. Review status: no assertion criteria provided. Collection method: clinical testing. Allele origin: germline. Affected: yes. Not counted in ClinVar's aggregate classification.

Biochemical Molecular Genetic Laboratory, King Abdulaziz Medical City
Classification: Pathogenic for Propionic acidemia. Last evaluated: 2019-09-26. Review status: no assertion criteria provided. Collection method: clinical testing. Allele origin: germline. Affected: yes. Not counted in ClinVar's aggregate classification.

Literature cited by the submitters: PubMed 22156789 (cited by Labcorp Genetics (formerly Invitae), Labcorp and Natera, Inc.); PubMed 30705822 (cited by Labcorp Genetics (formerly Invitae), Labcorp); PubMed 30274917 (cited by Labcorp Genetics (formerly Invitae), Labcorp); PubMed 27959697 (cited by Natera, Inc.); PubMed 31392117 (cited by Natera, Inc.); PubMed 36211601 (cited by Natera, Inc.).